The following is an entry in ClinVar:

NM_000807.4(GABRA2):c.692A>C (p.Lys231Thr)

Gene: GABRA2 (gamma-aminobutyric acid type A receptor subunit alpha2; minus strand). Cytogenetic location: 4p12.
Variant type: single nucleotide variant.
Coding change: c.692A>C on transcript NM_000807.4 (MANE Select); coding-DNA position 692, A replaced by C.
Protein change: p.Lys231Thr; replaces lysine 231 with threonine.
Molecular consequence: missense variant.
Genome position (GRCh38, 1-based): chr4:46,305,579, T>G on the plus strand (A>C on the coding strand, the complement: GABRA2 is on the minus strand). VCF-style: chr4-46305579-T-G. GRCh37 (hg19) VCF-style: chr4-46307596-T-G.
Other names: c.692A>C, p.Lys231Thr (NM_001114175.3, NM_001330690.2, NM_001377144.1 and 8 more transcripts); c.527A>C, p.Lys176Thr (NM_001286827.3, NM_001377152.1, NM_001377153.1 and 1 more transcripts); short protein forms K176T, K231T.
Identifiers: ClinVar variation 3392960 (VCV003392960.1).

ClinVar aggregate classification (germline): Uncertain significance (1 of 4 stars; one submission).

gnomAD v4.1: 4 of 1,613,698 alleles (0.00025%); highest among the groups gnomAD compares: African/African-American, 0.0053%; no homozygotes.

Submission:

GeneDx
Classification: Uncertain significance. Last evaluated: 2024-06-27. Review status: criteria provided, single submitter. Criteria: GeneDx Variant Classification Process June 2021. Collection method: clinical testing. Allele origin: germline. Affected: yes.
Comment: Not observed at significant frequency in large population cohorts (gnomAD); In silico analysis supports that this missense variant has a deleterious effect on protein structure/function; Has not been previously published as pathogenic or benign to our knowledge